The following is an entry in ClinVar:

ClinVar aggregate classification (germline): Conflicting classifications of pathogenicity. Review status: criteria provided, conflicting classifications (1 of 4 stars). 3 submissions from 3 submitters: Uncertain significance (1); Likely benign (1). 1 of the submissions does not count toward it. Last evaluated 2018-01-12.

Conditions:
CAVIN1-related disorder. Also called: CAVIN1-related condition.
Congenital generalized lipodystrophy type 4. Also called: BERARDINELLI-SEIP CONGENITAL LIPODYSTROPHY, TYPE 4, WITH MUSCULAR DYSTROPHY. Identifiers: Orphanet 228429, MedGen C2750069, MONDO:0013225, OMIM 613327.

Allele frequency attached by ClinVar (database versions not stated): gnomAD exomes 0.00015; gnomAD 0.00016; TOPMed 0.00019; 1000 Genomes Project 30x 0.00031; 1000 Genomes Project 0.00040; ExAC 0.00062.
gnomAD v4.1: 171 of 1,429,002 alleles (0.012%); highest among the groups gnomAD compares: Admixed American, 0.048%; no homozygotes.

Submissions (3):

Illumina Laboratory Services, Illumina
Classification: Likely benign for Congenital generalized lipodystrophy type 4. Last evaluated: 2018-01-12. Review status: criteria provided, single submitter. Criteria: ICSL Variant Classification Criteria 13 December 2019. Collection method: clinical testing. Allele origin: germline.
Comment: This variant was observed in the ICSL laboratory as part of a predisposition screen in an ostensibly healthy population. It had not been previously curated by ICSL or reported in the Human Gene Mutation Database (HGMD: prior to June 1st, 2018), and was therefore a candidate for classification through an automated scoring system. Utilizing variant allele frequency, disease prevalence and penetrance estimates, and inheritance mode, an automated score was calculated to assess if this variant is too frequent to cause the disease. Based on the score and internal cut-off values, a variant classified as likely benign is not then subjected to further curation. The score for this variant resulted in a classification of likely benign for this disease.

Eurofins Ntd Llc (ga)
Classification: Uncertain significance. Last evaluated: 2014-11-21. Review status: criteria provided, single submitter. Criteria: EGL Classification Definitions 2015. Collection method: clinical testing. Allele origin: germline. Observed: 1 variant allele, 1 heterozygote.

PreventionGenetics, part of Exact Sciences
Classification: Likely benign for CAVIN1-related condition. Last evaluated: 2022-06-14. Review status: no assertion criteria provided. Collection method: clinical testing. Allele origin: germline. Not counted in ClinVar's aggregate classification.
Comment: This variant is classified as likely benign based on ACMG/AMP sequence variant interpretation guidelines (Richards et al. 2015 PMID: 25741868, with internal and published modifications).

NM_012232.6(CAVIN1):c.*10G>A

Gene: CAVIN1 (caveolae associated protein 1; minus strand). Cytogenetic location: 17q21.2.
Variant type: single nucleotide variant.
Coding change: c.*10G>A on transcript NM_012232.6 (MANE Select); 10 bases downstream of the stop codon, G replaced by A.
Molecular consequence: 3 prime UTR variant.
Genome position (GRCh38, 1-based): chr17:42,404,677, C>T on the plus strand (G>A on the coding strand, the complement: CAVIN1 is on the minus strand). VCF-style: chr17-42404677-C-T. GRCh37 (hg19) VCF-style: chr17-40556695-C-T.
Identifiers: ClinVar variation 195287 (VCV000195287.11), dbSNP rs200409122, ClinGen allele CA241647.